The following is an entry in ClinVar:

ClinVar aggregate classification (germline): Likely benign. Review status: criteria provided, multiple submitters, no conflicts (2 of 4 stars). 4 submissions from 3 submitters: Likely benign (4). Last evaluated 2024-02-15.

Conditions:
Retinitis pigmentosa 39 (RP39). Identifiers: Orphanet 791, MedGen C3151138, MONDO:0013436, OMIM 613809.
Usher syndrome type 2A. Also called: RETINAL DISEASE IN USHER SYNDROME TYPE IIA, MODIFIER OF; USHER SYNDROME, TYPE IIA. Identifiers: Orphanet 231178, Orphanet 886, MedGen C1848634, MONDO:0010169, OMIM 276901.

Allele frequency attached by ClinVar (database versions not stated): gnomAD exomes below 0.00001 and 0.00001; TOPMed 0.00001.
gnomAD v4.1: 4 of 1,612,372 alleles (0.00025%); highest among the groups gnomAD compares: Non-Finnish European, 0.00034%; no homozygotes.

Submissions (4):

Labcorp Genetics (formerly Invitae), Labcorp
Classification: Likely benign. Last evaluated: 2024-02-15. Review status: criteria provided, single submitter. Criteria: Invitae Variant Classification Sherloc (09022015). Collection method: clinical testing. Allele origin: germline.

Genome-Nilou Lab
Classification: Likely benign for Retinitis pigmentosa 39. Last evaluated: 2023-11-04. Review status: criteria provided, single submitter. Criteria: ACMG Guidelines, 2015. Collection method: clinical testing. Allele origin: germline. Affected: no.

Genome-Nilou Lab
Classification: Likely benign for Usher syndrome type 2A. Last evaluated: 2023-11-04. Review status: criteria provided, single submitter. Criteria: ACMG Guidelines, 2015. Collection method: clinical testing. Allele origin: germline. Affected: no.

Laboratory for Molecular Medicine, Mass General Brigham Personalized Medicine
Classification: Likely benign. Last evaluated: 2015-07-05. Review status: criteria provided, single submitter. Criteria: LMM Criteria. Collection method: clinical testing. Allele origin: germline. Observed: 1 variant allele.
Comment: p.Arg3134Arg in exon 48 of USH2A: This variant is not expected to have clinical significance because it does not alter an amino acid residue and is not located within the splice consensus sequence.

NM_206933.4(USH2A):c.9402G>A (p.Arg3134=)

Gene: USH2A (usherin; minus strand). Cytogenetic location: 1q41.
Variant type: single nucleotide variant.
Coding change: c.9402G>A on transcript NM_206933.4 (MANE Select); coding-DNA position 9402, G replaced by A.
Protein change: p.Arg3134=; no amino-acid change (arginine 3134 retained).
Molecular consequence: synonymous variant.
Genome position (GRCh38, 1-based): chr1:215,817,165, C>T on the plus strand (G>A on the coding strand, the complement: USH2A is on the minus strand). VCF-style: chr1-215817165-C-T. GRCh37 (hg19) VCF-style: chr1-215990507-C-T.
Identifiers: ClinVar variation 228227 (VCV000228227.14), dbSNP rs876657631, ClinGen allele CA10576376.